The following is an entry in ClinVar:

ClinVar aggregate classification (germline): Uncertain significance (1 of 4 stars; one submission).

Conditions:
Autoimmune lymphoproliferative syndrome type 1. Also called: AUTOIMMUNE LYMPHOPROLIFERATIVE SYNDROME, TYPE I, AUTOSOMAL DOMINANT. Identifiers: Orphanet 3261, MedGen C2717884, MONDO:0011158, OMIM 601859.

Allele frequency attached by ClinVar (database versions not stated): gnomAD exomes below 0.00001.
gnomAD v4.1: 1 of 1,613,740 alleles (0.000062%); highest among the groups gnomAD compares: Middle Eastern, 0.017%; no homozygotes.

Submission:

Labcorp Genetics (formerly Invitae), Labcorp
Classification: Uncertain significance for Autoimmune lymphoproliferative syndrome. Last evaluated: 2022-08-10. Review status: criteria provided, single submitter. Criteria: Invitae Variant Classification Sherloc (09022015). Collection method: clinical testing. Allele origin: germline.
Comment: In summary, the available evidence is currently insufficient to determine the role of this variant in disease. Therefore, it has been classified as a Variant of Uncertain Significance. Algorithms developed to predict the effect of missense changes on protein structure and function are either unavailable or do not agree on the potential impact of this missense change (SIFT: "Not Available"; PolyPhen-2: "Benign"; Align-GVGD: "Not Available"). ClinVar contains an entry for this variant (Variation ID: 1467004). This variant has not been reported in the literature in individuals affected with FAS-related conditions. This variant is not present in population databases (gnomAD no frequency). This sequence change replaces threonine, which is neutral and polar, with isoleucine, which is neutral and non-polar, at codon 235 of the FAS protein (p.Thr235Ile).

NM_000043.6(FAS):c.704C>T (p.Thr235Ile)

Gene: FAS (Fas cell surface death receptor; plus strand). Cytogenetic location: 10q23.31.
Variant type: single nucleotide variant.
Coding change: c.704C>T on transcript NM_000043.6 (MANE Select); coding-DNA position 704, C replaced by T.
Protein change: p.Thr235Ile; replaces threonine 235 with isoleucine.
Molecular consequence: missense variant. On other transcripts: 3 prime UTR variant (2), non-coding transcript variant (7).
Genome position (GRCh38, 1-based): chr10:89,014,146, C>T. VCF-style: chr10-89014146-C-T. GRCh37 (hg19) VCF-style: chr10-90773903-C-T.
Other names: c.*27C>T (NM_001320619.2); c.641C>T, p.Thr214Ile (NM_152871.4); c.*16C>T (NM_152872.4); short protein forms T214I, T235I.
Identifiers: ClinVar variation 1467004 (VCV001467004.6), dbSNP rs2119445212, ClinGen allele CA377509596.
Genomic context (GRCh38, chr10:89,014,146, plus strand): 5'-AAACAAATTTTCAGACTATTTTCTATTTTTCAGATGTTGACTTGAGTAAATATATCACCA[C>T]TATTGCTGGAGTCATGACACTAAGTCAAGTTAAAGGCTTTGTTCGAAAGAATGGTGTCAA-3'
Protein context (NP_000034.1, residues 225-245): SDVDLSKYIT[Thr235Ile]IAGVMTLSQV